The following is an entry in ClinVar:

ClinVar aggregate classification (germline): Uncertain significance (1 of 4 stars; one submission).

Conditions:
Hereditary cancer-predisposing syndrome. Also called: Hereditary Cancer Syndrome; Hereditary neoplastic syndrome; Neoplastic Syndromes, Hereditary; Tumor predisposition. Identifiers: Orphanet 140162, MedGen C0027672, MeSH D009386, MONDO:0015356.

Submission:

Ambry Genetics
Classification: Uncertain significance for Hereditary cancer-predisposing syndrome. Last evaluated: 2022-04-10. Review status: criteria provided, single submitter. Criteria: Ambry Variant Classification Scheme 2023. Collection method: clinical testing. Allele origin: germline.
Comment: The p.P407S variant (also known as c.1219C>T), located in coding exon 8 of the MEN1 gene, results from a C to T substitution at nucleotide position 1219. The proline at codon 407 is replaced by serine, an amino acid with similar properties. This amino acid position is conserved. In addition, the in silico prediction for this alteration is inconclusive. Since supporting evidence is limited at this time, the clinical significance of this alteration remains unclear.

NM_001370259.2(MEN1):c.1219C>T (p.Pro407Ser)

Gene: MEN1 (menin 1; minus strand). Cytogenetic location: 11q13.1.
Variant type: single nucleotide variant.
Coding change: c.1219C>T on transcript NM_001370259.2 (MANE Select); coding-DNA position 1219, C replaced by T.
Protein change: p.Pro407Ser; replaces proline 407 with serine.
Molecular consequence: missense variant.
Genome position (GRCh38, 1-based): chr11:64,805,165, G>A on the plus strand (C>T on the coding strand, the complement: MEN1 is on the minus strand). VCF-style: chr11-64805165-G-A. GRCh37 (hg19) VCF-style: chr11-64572637-G-A.
Other names: c.1234C>T, p.Pro412Ser (NM_000244.4, NM_001407145.1, NM_130800.3 and 4 more transcripts); c.1345C>T, p.Pro449Ser (NM_001370251.2, NM_001407142.1, NM_001407143.1 and 1 more transcripts); c.1219C>T, p.Pro407Ser (NM_001370260.2, NM_001370261.2, NM_001407146.1 and 2 more transcripts); c.1114C>T, p.Pro372Ser (NM_001370262.2, NM_001370263.2, NM_001407148.1 and 1 more transcripts); c.1360C>T, p.Pro454Ser (NM_001407150.1); c.1240C>T, p.Pro414Ser (NM_001407151.1); short protein forms P449S, P454S, P372S, P407S, P414S, P412S.
Identifiers: ClinVar variation 1752409 (VCV001752409.2), dbSNP rs1060499985, ClinGen allele CA381180709.